The following is an entry in ClinVar:

NM_004168.4(SDHA):c.1600G>A (p.Glu534Lys)

Gene: SDHA (succinate dehydrogenase complex flavoprotein subunit A; plus strand). Cytogenetic location: 5p15.33.
Variant type: single nucleotide variant.
Coding change: c.1600G>A on transcript NM_004168.4 (MANE Select); coding-DNA position 1600, G replaced by A.
Protein change: p.Glu534Lys; replaces glutamic acid 534 with lysine.
Molecular consequence: missense variant. On other transcripts: intron variant (1).
Genome position (GRCh38, 1-based): chr5:251,040, G>A. VCF-style: chr5-251040-G-A. GRCh37 (hg19) VCF-style: chr5-251155-G-A.
Other names: c.1456G>A, p.Glu486Lys (NM_001294332.2); c.1552-3353G>A (NM_001330758.2); short protein forms E486K, E534K.
Identifiers: ClinVar variation 2091698 (VCV002091698.5), dbSNP rs2477454837, ClinGen allele CA358998510.

ClinVar aggregate classification (germline): Uncertain significance. Review status: criteria provided, multiple submitters, no conflicts (2 of 4 stars). 2 submissions from 2 submitters: Uncertain significance (2). Last evaluated 2022-02-02.

Conditions:
Mitochondrial complex II deficiency, nuclear type 1. Also called: SUCCINATE CoQ REDUCTASE DEFICIENCY. Identifiers: Orphanet 3208, MedGen C5700310, MONDO:0100294, OMIM 252011.
Pheochromocytoma/paraganglioma syndrome 5. Also called: Paragangliomas 5; SDHA-Related Hereditary Paraganglioma-Pheochromocytoma Syndrome. Identifiers: Orphanet 29072, MedGen C3279992, MONDO:0013602, OMIM 614165.

Submissions (2):

Labcorp Genetics (formerly Invitae), Labcorp
Classification: Uncertain significance for Pheochromocytoma/paraganglioma syndrome 5; Mitochondrial complex II deficiency, nuclear type 1. Last evaluated: 2022-02-02. Review status: criteria provided, single submitter. Criteria: Invitae Variant Classification Sherloc (09022015). Collection method: clinical testing. Allele origin: germline.
Comment: In summary, the available evidence is currently insufficient to determine the role of this variant in disease. Therefore, it has been classified as a Variant of Uncertain Significance. This sequence change replaces glutamic acid, which is acidic and polar, with lysine, which is basic and polar, at codon 534 of the SDHA protein (p.Glu534Lys). This variant is not present in population databases (gnomAD no frequency). This variant has not been reported in the literature in individuals affected with SDHA-related conditions. Advanced modeling of protein sequence and biophysical properties (such as structural, functional, and spatial information, amino acid conservation, physicochemical variation, residue mobility, and thermodynamic stability) performed at Invitae indicates that this missense variant is not expected to disrupt SDHA protein function.

Blueprint Genetics
Classification: Uncertain significance. Last evaluated: 2021-02-15. Review status: criteria provided, single submitter. Criteria: ACMG Guidelines, 2015. Collection method: clinical testing. Allele origin: germline.